The following is an entry in ClinVar:

ClinVar aggregate classification (germline): Uncertain significance (1 of 4 stars; one submission).

Submission:

GeneDx
Classification: Uncertain significance. Last evaluated: 2026-04-29. Review status: criteria provided, single submitter. Criteria: GeneDx Variant Classification Process June 2021. Collection method: clinical testing. Allele origin: germline.
Comment: Not observed at significant frequency in large population cohorts (gnomAD); Nonsense variant predicted to result in protein truncation as the last 6 amino acid(s) are lost; Has not been previously published as pathogenic or benign to our knowledge

NM_001083614.2(EARS2):c.1552C>T (p.Gln518Ter)

Gene: EARS2 (glutamyl-tRNA synthetase 2, mitochondrial; minus strand). Cytogenetic location: 16p12.2.
Variant type: single nucleotide variant.
Coding change: c.1552C>T on transcript NM_001083614.2 (MANE Select); coding-DNA position 1552, C replaced by T.
Protein change: p.Gln518Ter; replaces glutamine 518 with a stop codon.
Molecular consequence: nonsense. On other transcripts: non-coding transcript variant (1).
Genome position (GRCh38, 1-based): chr16:23,524,391, G>A on the plus strand (C>T on the coding strand, the complement: EARS2 is on the minus strand). VCF-style: chr16-23524391-G-A. GRCh37 (hg19) VCF-style: chr16-23535712-G-A.
Other names: short protein forms Q518*.
Identifiers: ClinVar variation 3906553 (VCV003906553.2).
Genomic context (GRCh38, chr16:23,524,391, plus strand): 5'-GGTTCTTAGGGCGATCTCCACTGCCCGAAACATCCTCTCCCTAGCTGGAAACCACCTTCT[G>A]GATCCGTTCCCGTACTTCCTTTGGTCCCAAGGCCAACATCATCTCAGCTACAGGAGGTCC-3'